The following is an entry in ClinVar:

ClinVar aggregate classification (germline): Likely pathogenic (1 of 4 stars; one submission).

Conditions:
Autosomal recessive limb-girdle muscular dystrophy. Identifiers: Orphanet 102015, MedGen C2931907, MONDO:0015152.

Submission:

Myriad Genetics, Inc.
Classification: Likely pathogenic for Autosomal recessive limb-girdle muscular dystrophy. Last evaluated: 2019-05-13. Review status: criteria provided, single submitter. Criteria: Myriad Autosomal Dominant, Autosomal Recessive and X-Linked Classification Criteria (2023). Collection method: clinical testing. Allele origin: unknown.
Comment: NM_003494.3(DYSF):c.2590G>T(E864*) is expected to be pathogenic in the context of dysferlinopathy. This variant is predicted to lead to an abnormal or absent protein product due to the creation of a premature termination codon in DYSF, a gene where loss-of-function variants are known to be pathogenic. Please note: this variant was assessed in the context of healthy population screening.

NM_001130987.2(DYSF):c.2644G>T (p.Glu882Ter)

Gene: DYSF (dysferlin; plus strand). Cytogenetic location: 2p13.2.
Variant type: single nucleotide variant.
Coding change: c.2644G>T on transcript NM_001130987.2 (MANE Select); coding-DNA position 2644, G replaced by T.
Protein change: p.Glu882Ter; replaces glutamic acid 882 with a stop codon.
Molecular consequence: nonsense.
Genome position (GRCh38, 1-based): chr2:71,568,029, G>T. VCF-style: chr2-71568029-G-T. GRCh37 (hg19) VCF-style: chr2-71795159-G-T.
Other names: c.2593G>T, p.Glu865Ter (NM_001130455.2, NM_001130983.2); c.2548G>T, p.Glu850Ter (NM_001130976.2, NM_001130977.2); c.2590G>T, p.Glu864Ter (NM_001130978.2, NM_003494.4); c.2683G>T, p.Glu895Ter (NM_001130979.2); c.2641G>T, p.Glu881Ter (NM_001130980.2, NM_001130981.2); c.2686G>T, p.Glu896Ter (NM_001130982.2); c.2551G>T, p.Glu851Ter (NM_001130984.2, NM_001130986.2); c.2644G>T, p.Glu882Ter (NM_001130985.2); short protein forms E850*, E851*, E864*, E865*, E881*, E882*, E895*, E896*.
Identifiers: ClinVar variation 983672 (VCV000983672.4), dbSNP rs2092209337, ClinGen allele CA347213684.
Genomic context (GRCh38, chr2:71,568,029, plus strand): 5'-CCTGGCGCCCGGATGCCAGTGCAGATACGGGTCAAGCTGTGGTTTGGGCTCTCAGTGGAT[G>T]AGAAGGAGTTCAACCAGTTTGCTGAGGGGAAGCTGTCTGTCTTTGCTGAAACCGTGAGTA-3'